The following is an entry in ClinVar:

ClinVar aggregate classification (germline): Benign/Likely benign. Review status: criteria provided, multiple submitters, no conflicts (2 of 4 stars). 4 submissions from 4 submitters: Benign (2); Likely benign (2). Last evaluated 2026-01-20.

Conditions:
Pyruvate carboxylase deficiency. Also called: ATAXIA WITH LACTIC ACIDOSIS II; Pyruvate Carboxylase Deficiency Disease; LEIGH NECROTIZING ENCEPHALOPATHY DUE TO PYRUVATE CARBOXYLASE DEFICIENCY; LEIGH SYNDROME DUE TO PYRUVATE CARBOXYLASE DEFICIENCY; PC DEFICIENCY. Identifiers: Orphanet 3008, MedGen C0034341, MONDO:0009949, OMIM 266150.

Allele frequency attached by ClinVar (database versions not stated): gnomAD 0.00029 and 0.00033; ExAC 0.00031; gnomAD exomes 0.00039; TOPMed 0.00053; 1000 Genomes Project 30x 0.00062; 1000 Genomes Project 0.00080.
gnomAD v4.1: 213 of 1,614,100 alleles (0.013%); highest among the groups gnomAD compares: East Asian, 0.34%; no homozygotes.

Submissions (4):

Labcorp Genetics (formerly Invitae), Labcorp
Classification: Benign for Pyruvate carboxylase deficiency. Last evaluated: 2026-01-20. Review status: criteria provided, single submitter. Criteria: Invitae Variant Classification Sherloc (09022015). Collection method: clinical testing. Allele origin: germline.

Blueprint Genetics
Classification: Likely benign. Last evaluated: 2024-05-23. Review status: criteria provided, single submitter. Criteria: ACMG Guidelines, 2015. Collection method: clinical testing. Allele origin: germline.

Illumina Laboratory Services, Illumina
Classification: Likely benign for Pyruvate carboxylase deficiency. Last evaluated: 2018-01-13. Review status: criteria provided, single submitter. Criteria: ICSL Variant Classification Criteria 13 December 2019. Collection method: clinical testing. Allele origin: germline.
Comment: This variant was observed in the ICSL laboratory as part of a predisposition screen in an ostensibly healthy population. It had not been previously curated by ICSL or reported in the Human Gene Mutation Database (HGMD: prior to June 1st, 2018), and was therefore a candidate for classification through an automated scoring system. Utilizing variant allele frequency, disease prevalence and penetrance estimates, and inheritance mode, an automated score was calculated to assess if this variant is too frequent to cause the disease. Based on the score and internal cut-off values, a variant classified as likely benign is not then subjected to further curation. The score for this variant resulted in a classification of likely benign for this disease.

GeneDx
Classification: Benign. Last evaluated: 2014-10-07. Review status: criteria provided, single submitter. Criteria: GeneDx Variant Classification (06012015). Collection method: clinical testing. Allele origin: germline. Affected: yes.
Comment: This variant is considered likely benign or benign based on one or more of the following criteria: it is a conservative change, it occurs at a poorly conserved position in the protein, it is predicted to be benign by multiple in silico algorithms, and/or has population frequency not consistent with disease.

NM_001040716.2(PC):c.2577G>A (p.Ser859=)

Gene: PC (pyruvate carboxylase; minus strand). Cytogenetic location: 11q13.2.
Variant type: single nucleotide variant.
Coding change: c.2577G>A on transcript NM_001040716.2 (MANE Select); coding-DNA position 2577, G replaced by A.
Protein change: p.Ser859=; no amino-acid change (serine 859 retained).
Molecular consequence: synonymous variant.
Genome position (GRCh38, 1-based): chr11:66,850,361, C>T on the plus strand (G>A on the coding strand, the complement: PC is on the minus strand). VCF-style: chr11-66850361-C-T. GRCh37 (hg19) VCF-style: chr11-66617832-C-T.
Other names: p.S859S:TCG>TCA; c.2577G>A, p.Ser859= (NM_000920.4, NM_022172.3).
Identifiers: ClinVar variation 203900 (VCV000203900.16), dbSNP rs199879375, ClinGen allele CA312860.